The following is an entry in ClinVar:

NM_152703.5(SAMD9L):c.3317C>A (p.Ala1106Glu)

Gene: SAMD9L (sterile alpha motif domain containing 9 like; minus strand). Cytogenetic location: 7q21.2.
Variant type: single nucleotide variant.
Coding change: c.3317C>A on transcript NM_152703.5 (MANE Select); coding-DNA position 3317, C replaced by A.
Protein change: p.Ala1106Glu; replaces alanine 1106 with glutamic acid.
Molecular consequence: missense variant.
Genome position (GRCh38, 1-based): chr7:93,132,655, G>T on the plus strand (C>A on the coding strand, the complement: SAMD9L is on the minus strand). VCF-style: chr7-93132655-G-T. GRCh37 (hg19) VCF-style: chr7-92761968-G-T.
Other names: c.3317C>A, p.Ala1106Glu (NM_001303496.3, NM_001303497.3, NM_001303498.3 and 5 more transcripts); short protein forms A1106E.
Identifiers: ClinVar variation 3664744 (VCV003664744.2).
Genomic context (GRCh38, chr7:93,132,655, plus strand): 5'-ACTTGACCTAGTGTATCTGAAATATAGGAATTTTTAGGTGCTTTCATTTTGGCCTGACGT[G>T]CCCAGTCCAGAGCTGTGTTAAAGTCCTTCTCTTTAATGTAGAAATGTCTTGCTAAGGCTT-3'
Protein context (NP_689916.2, residues 1096-1116): EKDFNTALDW[Ala1106Glu]RQAKMKAPKN

ClinVar aggregate classification (germline): Uncertain significance (1 of 4 stars; one submission).

Submission:

Labcorp Genetics (formerly Invitae), Labcorp
Classification: Uncertain significance. Last evaluated: 2024-10-19. Review status: criteria provided, single submitter. Criteria: Invitae Variant Classification Sherloc (09022015). Collection method: clinical testing. Allele origin: germline.
Comment: This sequence change replaces alanine, which is neutral and non-polar, with glutamic acid, which is acidic and polar, at codon 1106 of the SAMD9L protein (p.Ala1106Glu). This variant is not present in population databases (gnomAD no frequency). This variant has not been reported in the literature in individuals affected with SAMD9L-related conditions. Invitae Evidence Modeling of protein sequence and biophysical properties (such as structural, functional, and spatial information, amino acid conservation, physicochemical variation, residue mobility, and thermodynamic stability) indicates that this missense variant is expected to disrupt SAMD9L protein function with a positive predictive value of 80%. In summary, the available evidence is currently insufficient to determine the role of this variant in disease. Therefore, it has been classified as a Variant of Uncertain Significance.